The following is an entry in ClinVar:

NM_001037131.3(AGAP1):c.2164C>A (p.Leu722Met)

Gene: AGAP1 (ArfGAP with GTPase domain, ankyrin repeat and PH domain 1; plus strand). Cytogenetic location: 2q37.2.
Variant type: single nucleotide variant.
Coding change: c.2164C>A on transcript NM_001037131.3 (MANE Select); coding-DNA position 2164, C replaced by A.
Protein change: p.Leu722Met; replaces leucine 722 with methionine.
Molecular consequence: missense variant.
Genome position (GRCh38, 1-based): chr2:236,120,241, C>A. VCF-style: chr2-236120241-C-A. GRCh37 (hg19) VCF-style: chr2-237028885-C-A.
Other names: c.2005C>A, p.Leu669Met (NM_014914.5); short protein forms L669M, L722M.
Identifiers: ClinVar variation 2870873 (VCV002870873.3), dbSNP rs1428262661, ClinGen allele CA351158826.

ClinVar aggregate classification (germline): Uncertain significance (1 of 4 stars; one submission).

gnomAD v4.1: 2 of 1,613,346 alleles (0.00012%); highest among the groups gnomAD compares: Admixed American, 0.0017%; no homozygotes.

Submission:

Labcorp Genetics (formerly Invitae), Labcorp
Classification: Uncertain significance. Last evaluated: 2023-04-09. Review status: criteria provided, single submitter. Criteria: Invitae Variant Classification Sherloc (09022015). Collection method: clinical testing. Allele origin: germline.
Comment: In summary, the available evidence is currently insufficient to determine the role of this variant in disease. Therefore, it has been classified as a Variant of Uncertain Significance. An algorithm developed to predict the effect of missense changes on protein structure and function (PolyPhen-2) suggests that this variant is likely to be disruptive. This variant has not been reported in the literature in individuals affected with AGAP1-related conditions. This variant is present in population databases (no rsID available, gnomAD 0.003%). This sequence change replaces leucine, which is neutral and non-polar, with methionine, which is neutral and non-polar, at codon 669 of the AGAP1 protein (p.Leu669Met).